The following is an entry in ClinVar:

NM_006218.4(PIK3CA):c.2688dup (p.Phe897fs)

Gene: PIK3CA (phosphatidylinositol-4,5-bisphosphate 3-kinase catalytic subunit alpha; plus strand). Cytogenetic location: 3q26.32.
Variant type: Duplication.
Coding change: c.2688dup on transcript NM_006218.4 (MANE Select); coding-DNA position 2688, one base duplicated (G; older notation c.2688dupG).
Protein change: p.Phe897fs; shifts the reading frame from phenylalanine 897.
Molecular consequence: frameshift variant.
Genome position (GRCh38, 1-based): chr3:179,230,025, G duplicated. VCF-style (leftmost placement, unchanged base first): chr3-179230024-T-TG. GRCh37 (hg19) VCF-style: chr3-178947812-T-TG.
Other names: short protein forms F897fs.
Identifiers: ClinVar variation 4755743 (VCV004755743.1).

ClinVar aggregate classification (germline): Uncertain significance (1 of 4 stars; one submission).

Submission:

GeneDx
Classification: Uncertain significance. Last evaluated: 2025-07-30. Review status: criteria provided, single submitter. Criteria: GeneDx Variant Classification Process June 2021. Collection method: clinical testing. Allele origin: germline. Affected: yes.
Comment: Not observed at significant frequency in large population cohorts (gnomAD); Frameshift variant predicted to result in protein truncation or nonsense mediated decay in a gene or region of a gene for which loss of function is not a well-established mechanism of disease; Has not been previously published as pathogenic or benign to our knowledge